The following is an entry in ClinVar:

NM_018076.5(ODAD2):c.1273G>A (p.Asp425Asn)

Gene: ODAD2 (outer dynein arm docking complex subunit 2; minus strand). Cytogenetic location: 10p12.1.
Variant type: single nucleotide variant.
Coding change: c.1273G>A on transcript NM_018076.5 (MANE Select); coding-DNA position 1273, G replaced by A.
Protein change: p.Asp425Asn; replaces aspartic acid 425 with asparagine.
Molecular consequence: missense variant. On other transcripts: 5 prime UTR variant (1).
Genome position (GRCh38, 1-based): chr10:27,961,681, C>T on the plus strand (G>A on the coding strand, the complement: ODAD2 is on the minus strand). VCF-style: chr10-27961681-C-T. GRCh37 (hg19) VCF-style: chr10-28250610-C-T.
Other names: c.1273G>A (NM_018076.2); c.1273G>A, p.Asp425Asn (NM_001290020.2); c.-153G>A (NM_001290021.2); c.349G>A, p.Asp117Asn (NM_001312689.2); short protein forms D425N, D117N.
Identifiers: ClinVar variation 2179977 (VCV002179977.3), dbSNP rs147175768, ClinGen allele CA376394864.
Genomic context (GRCh38, chr10:27,961,681, plus strand): 5'-CACTTGCTTCCTGACGATGGTCAGGTGGTTCTTCATCTTCCTCACTTTCTGAGGAGCTAT[C>T]GCTAACAGTTTCCTCAATCTTTTCAGCACTCTTCCTAAGAACAATAACAACACACATACA-3'
Protein context (NP_060546.2, residues 415-435): SAEKIEETVS[Asp425Asn]SSSESEEDEE

ClinVar aggregate classification (germline): Uncertain significance. Review status: criteria provided, multiple submitters, no conflicts (2 of 4 stars). 2 submissions from 2 submitters: Uncertain significance (2). Last evaluated 2024-12-12.

Conditions:
Primary ciliary dyskinesia 23 (CILD23). Also called: CILIARY DYSKINESIA, PRIMARY, 23, WITH OR WITHOUT SITUS INVERSUS. Identifiers: Orphanet 244, MedGen C3809548, MONDO:0014193, OMIM 615451.
Primary ciliary dyskinesia. Also called: Ciliary dyskinesia. Identifiers: Orphanet 244, MedGen C0008780, MONDO:0016575, HP:0012265.

Allele frequency attached by ClinVar (database versions not stated): gnomAD exomes 0.00001; TOPMed 0.00002.
gnomAD v4.1: 22 of 1,471,746 alleles (0.0015%); highest among the groups gnomAD compares: Non-Finnish European, 0.002%; no homozygotes.

Submissions (2):

Ambry Genetics
Classification: Uncertain significance for Primary ciliary dyskinesia. Last evaluated: 2024-12-12. Review status: criteria provided, single submitter. Criteria: Ambry Variant Classification Scheme 2023. Collection method: clinical testing. Allele origin: germline.

Labcorp Genetics (formerly Invitae), Labcorp
Classification: Uncertain significance for Primary ciliary dyskinesia 23. Last evaluated: 2022-01-11. Review status: criteria provided, single submitter. Criteria: Invitae Variant Classification Sherloc (09022015). Collection method: clinical testing. Allele origin: germline.
Comment: In summary, the available evidence is currently insufficient to determine the role of this variant in disease. Therefore, it has been classified as a Variant of Uncertain Significance. Algorithms developed to predict the effect of missense changes on protein structure and function are either unavailable or do not agree on the potential impact of this missense change (SIFT: "Deleterious"; PolyPhen-2: "Benign"; Align-GVGD: "Class C0"). This variant has not been reported in the literature in individuals affected with ARMC4-related conditions. The frequency data for this variant in the population databases is considered unreliable, as metrics indicate poor data quality at this position in the gnomAD database. This sequence change replaces aspartic acid, which is acidic and polar, with asparagine, which is neutral and polar, at codon 425 of the ARMC4 protein (p.Asp425Asn).